The following is an entry in ClinVar:

ClinVar aggregate classification (germline): Conflicting classifications of pathogenicity. Review status: criteria provided, conflicting classifications (1 of 4 stars). 3 submissions from 3 submitters: Uncertain significance (2); Likely benign (1). Last evaluated 2025-12-27.

Conditions:
Emery-Dreifuss muscular dystrophy 4, autosomal dominant (EDMD4). Also called: EMERY-DREIFUSS MUSCULAR DYSTROPHY 4 WITH VARIABLE FEATURES. Identifiers: Orphanet 261, MedGen C2751807, MONDO:0013071, OMIM 612998.
Autosomal recessive ataxia, Beauce type. Also called: Spinocerebellar ataxia, autosomal recessive 8; ATAXIA, RECESSIVE, OF BEAUCE; SYNE1-Related Autosomal Recessive Cerebellar Ataxia; SYNE1 Deficiency. Identifiers: Orphanet 88644, MedGen C1853116, MONDO:0012549, OMIM 610743.

Allele frequency attached by ClinVar (database versions not stated): ExAC 0.00002; gnomAD exomes 0.00001; gnomAD 0.00001.
gnomAD v4.1: 12 of 1,614,114 alleles (0.00074%); highest among the groups gnomAD compares: African/African-American, 0.0013%; no homozygotes.

Submissions (3):

Dasa
Classification: Likely benign. Last evaluated: 2025-12-27. Review status: criteria provided, single submitter. Criteria: DASA Assertion Criteria. Collection method: clinical testing. Allele origin: germline.
Comment: NM_182961.4(SYNE1):c.14722A>C (p.Ser4908Arg) is a missense variant that results in the substitution of serine with arginine. The variant context is inconsistent with a known disease-causing mechanism. Computational prediction algorithms are consistent with a benign effect. Therefore, based on the currently available evidence, this variant is classified as likely benign.

Labcorp Genetics (formerly Invitae), Labcorp
Classification: Uncertain significance for Emery-Dreifuss muscular dystrophy 4, autosomal dominant; Autosomal recessive ataxia, Beauce type. Last evaluated: 2022-07-26. Review status: criteria provided, single submitter. Criteria: Invitae Variant Classification Sherloc (09022015). Collection method: clinical testing. Allele origin: germline.
Comment: In summary, the available evidence is currently insufficient to determine the role of this variant in disease. Therefore, it has been classified as a Variant of Uncertain Significance. Algorithms developed to predict the effect of missense changes on protein structure and function output the following: SIFT: "Deleterious"; PolyPhen-2: "Benign"; Align-GVGD: "Class C25". The arginine amino acid residue is found in multiple mammalian species, which suggests that this missense change does not adversely affect protein function. ClinVar contains an entry for this variant (Variation ID: 282787). This variant has not been reported in the literature in individuals affected with SYNE1-related conditions. This variant is present in population databases (rs750417575, gnomAD 0.002%). This sequence change replaces serine, which is neutral and polar, with arginine, which is basic and polar, at codon 4837 of the SYNE1 protein (p.Ser4837Arg).

Eurofins Ntd Llc (ga)
Classification: Uncertain significance. Last evaluated: 2015-08-19. Review status: criteria provided, single submitter. Criteria: EGL Classification Definitions 2015. Collection method: clinical testing. Allele origin: germline. Observed: 1 variant allele, 1 heterozygote.

NM_182961.4(SYNE1):c.14722A>C (p.Ser4908Arg)

Gene: SYNE1 (spectrin repeat containing nuclear envelope protein 1; minus strand). Cytogenetic location: 6q25.2.
Variant type: single nucleotide variant.
Coding change: c.14722A>C on transcript NM_182961.4 (MANE Select); coding-DNA position 14722, A replaced by C.
Protein change: p.Ser4908Arg; replaces serine 4908 with arginine.
Molecular consequence: missense variant.
Genome position (GRCh38, 1-based): chr6:152,329,963, T>G on the plus strand (A>C on the coding strand, the complement: SYNE1 is on the minus strand). VCF-style: chr6-152329963-T-G. GRCh37 (hg19) VCF-style: chr6-152651098-T-G.
Other names: c.14509A>C, p.Ser4837Arg (NM_033071.5); short protein forms S4908R, S4837R.
Identifiers: ClinVar variation 282787 (VCV000282787.15), dbSNP rs750417575, ClinGen allele CA4055957.
Genomic context (GRCh38, chr6:152,329,963, plus strand): 5'-GGATTTTTCTGATTTCCTCTTGGATGTCCTGCAGGTTGAGGTCTAGGTACACCGGCCCAC[T>G]GAGCTCTGCCTTCACTCTCCTCAGCCAGTCCAGGGAGCGACTCATCTCAGTCTGGAAGTC-3'
Protein context (NP_892006.3, residues 4898-4918): DWLRRVKAEL[Ser4908Arg]GPVYLDLNLQ